The following is an entry in ClinVar:

NM_004333.6(BRAF):c.1189G>T (p.Gly397Cys)

Gene: BRAF (B-Raf proto-oncogene, serine/threonine kinase; minus strand). Cytogenetic location: 7q34.
Variant type: single nucleotide variant.
Coding change: c.1189G>T on transcript NM_004333.6 (MANE Select); coding-DNA position 1189, G replaced by T.
Protein change: p.Gly397Cys; replaces glycine 397 with cysteine.
Molecular consequence: missense variant. On other transcripts: intron variant (2).
Genome position (GRCh38, 1-based): chr7:140,783,146, C>A on the plus strand (G>T on the coding strand, the complement: BRAF is on the minus strand). VCF-style: chr7-140783146-C-A. GRCh37 (hg19) VCF-style: chr7-140482946-C-A.
Other names: c.1189G>T, p.Gly397Cys (NM_001354609.2, NM_001378468.1, NM_001378474.1); c.1309G>T, p.Gly437Cys (NM_001374244.1, NM_001374258.1); c.1198G>T, p.Gly400Cys (NM_001378467.1); c.1087G>T, p.Gly363Cys (NM_001378470.1); c.1033G>T, p.Gly345Cys (NM_001378472.1, NM_001378473.1); c.925G>T, p.Gly309Cys (NM_001378475.1); c.1141-63G>T (NM_001378471.1); c.1178-55G>T (NM_001378469.1); short protein forms G397C, G309C, G345C, G363C, G400C, G437C.
Identifiers: ClinVar variation 279952 (VCV000279952.5), dbSNP rs760702929, ClinGen allele CA4516778.

ClinVar aggregate classification (germline): Uncertain significance. Review status: criteria provided, multiple submitters, no conflicts (2 of 4 stars). 2 submissions from 2 submitters: Uncertain significance (2). Last evaluated 2017-04-11.

Conditions:
Noonan syndrome and Noonan-related syndrome. Identifiers: Orphanet 98733, MedGen C5681679, MONDO:0020297.

Allele frequency attached by ClinVar (database versions not stated): gnomAD exomes below 0.00001; ExAC 0.00001; gnomAD 0.00001.
gnomAD v4.1: 4 of 1,613,904 alleles (0.00025%); highest among the groups gnomAD compares: South Asian, 0.0044%; no homozygotes.

Submissions (2):

GeneDx
Classification: Uncertain significance. Last evaluated: 2017-04-11. Review status: criteria provided, single submitter. Criteria: GeneDx Variant Classification (06012015). Collection method: clinical testing. Allele origin: germline. Affected: yes.
Comment: The G397C variant in the BRAF gene has not been published as a pathogenic variant, nor has it been reported as a benign polymorphism to our knowledge. The G397C variant was not observed in approximately 6,500 individuals of European and African American ancestry in the NHLBI Exome Sequencing Project, indicating it is not a common benign variant in these populations. The G397C variant is a non-conservative amino acid substitution, which occurs at a position that is conserved across species. In silico analysis predicts this variant is probably damaging to the protein structure/function. We interpret G397C as a variant of uncertain significance.

Genome Diagnostics Laboratory, The Hospital for Sick Children
Classification: Uncertain significance for Noonan syndrome and Noonan-related syndrome. Last evaluated: 2016-12-12. Review status: criteria provided, single submitter. Criteria: ACMG Guidelines, 2015. Collection method: clinical testing. Allele origin: germline.